The following is an entry in ClinVar:

NC_000006.11:g.(?_166778917)_(167453466_?)dup

Genes: CEP43 (centrosomal protein 43; plus strand), MPC1 (mitochondrial pyruvate carrier 1; minus strand), RNASET2 (ribonuclease T2; minus strand), RPS6KA2 (ribosomal protein S6 kinase A2; minus strand). Cytogenetic location: 6q27.
Variant type: Duplication.
Identifiers: ClinVar variation 3246169 (VCV003246169.1).

ClinVar aggregate classification (germline): Uncertain significance (1 of 4 stars; one submission).

Submission:

Labcorp Genetics (formerly Invitae), Labcorp
Classification: Uncertain significance. Last evaluated: 2024-01-22. Review status: criteria provided, single submitter. Criteria: Invitae Variant Classification Sherloc (09022015). Collection method: clinical testing. Allele origin: unknown.
Comment: A copy number gain of the genomic region encompassing the full coding sequence of the RNASET2 gene has been identified. The boundaries of this event are unknown as they extend beyond the assayed region for this gene and therefore may encompass additional genes. As the precise location of this event is unknown, it may be in tandem or it may be located elsewhere in the genome. This variant has not been reported in the literature in individuals affected with RNASET2-related conditions. In summary, the available evidence is currently insufficient to determine the role of this variant in disease. Therefore, it has been classified as a Variant of Uncertain Significance.